The following is an entry in ClinVar:

ClinVar aggregate classification (germline): Likely benign. Review status: criteria provided, multiple submitters, no conflicts (2 of 4 stars). 6 submissions from 6 submitters: Likely benign (6). Last evaluated 2025-12-29.

Conditions:
Hereditary cancer-predisposing syndrome. Also called: Neoplastic Syndromes, Hereditary; Tumor predisposition; Hereditary Cancer Syndrome; Hereditary neoplastic syndrome. Identifiers: Orphanet 140162, MedGen C0027672, MeSH D009386, MONDO:0015356.
Familial adenomatous polyposis 2. Also called: Adenomas, multiple colorectal; COLORECTAL ADENOMATOUS POLYPOSIS, AUTOSOMAL RECESSIVE; ADENOMAS, MULTIPLE COLORECTAL, AUTOSOMAL RECESSIVE; MYH-associated polyposis; MUTYH Polyposis; FAP type 2. Identifiers: Orphanet 220460, Orphanet 247798, MedGen C3272841, MONDO:0012041, OMIM 608456.

Allele frequency attached by ClinVar (database versions not stated): gnomAD 0.00001; gnomAD exomes 0.00001 and below 0.00001; 1000 Genomes Project 30x 0.00016; 1000 Genomes Project 0.00020; TOPMed below 0.00001; ExAC 0.00001.

Submissions (6):

Center for Genomic Medicine, Rigshospitalet, Copenhagen University Hospital
Classification: Likely benign. Last evaluated: 2025-12-29. Review status: criteria provided, single submitter. Criteria: ACMG Guidelines, 2015. Collection method: clinical testing. Allele origin: germline.

Labcorp Genetics (formerly Invitae), Labcorp
Classification: Likely benign for Familial adenomatous polyposis 2. Last evaluated: 2025-05-17. Review status: criteria provided, single submitter. Criteria: Invitae Variant Classification Sherloc (09022015). Collection method: clinical testing. Allele origin: germline.

All of Us Research Program, National Institutes of Health
Classification: Likely benign for Familial adenomatous polyposis 2. Last evaluated: 2023-10-27. Review status: criteria provided, single submitter. Criteria: ACMG Guidelines, 2015. Collection method: clinical testing. Allele origin: germline. Inheritance: Autosomal recessive inheritance. Observed: 2 variant alleles, 2 heterozygotes.
Comment: This study involves interpretation of variants in research participants for the purpose of population health screening. Participant phenotype was not available at the time of variant classification. Additional details can be found in publication PMID: 35346344, PMCID: PMC8962531

GeneDx
Classification: Likely benign. Last evaluated: 2021-05-24. Review status: criteria provided, single submitter. Criteria: GeneDx Variant Classification Process June 2021. Collection method: clinical testing. Allele origin: germline. Affected: yes.

Color Diagnostics, LLC DBA Color Health
Classification: Likely benign for Hereditary cancer-predisposing syndrome. Last evaluated: 2017-05-16. Review status: criteria provided, single submitter. Criteria: ACMG Guidelines, 2015. Collection method: clinical testing. Allele origin: germline.

Ambry Genetics
Classification: Likely benign for Hereditary cancer-predisposing syndrome. Last evaluated: 2014-12-03. Review status: criteria provided, single submitter. Criteria: Ambry Variant Classification Scheme 2023. Collection method: clinical testing. Allele origin: germline.

NM_001048174.2(MUTYH):c.78T>A (p.Ala26=)

Gene: MUTYH (mutY DNA glycosylase; minus strand). Cytogenetic location: 1p34.1.
Variant type: single nucleotide variant.
Coding change: c.78T>A on transcript NM_001048174.2 (MANE Select); coding-DNA position 78, T replaced by A.
Protein change: p.Ala26=; no amino-acid change (alanine 26 retained).
Molecular consequence: synonymous variant. On other transcripts: 5 prime UTR variant (4), non-coding transcript variant (2).
Genome position (GRCh38, 1-based): chr1:45,334,428, A>T on the plus strand (T>A on the coding strand, the complement: MUTYH is on the minus strand). VCF-style: chr1-45334428-A-T. GRCh37 (hg19) VCF-style: chr1-45800100-A-T.
Other names: c.78T>A, p.Ala26= (NM_001048171.2, NM_001048172.2, NM_001048173.2 and 2 more transcripts); c.120T>A, p.Ala40= (NM_001128425.2, NM_001293190.2, NM_012222.3); c.-135T>A (NM_001293192.2, NM_001293196.2); c.-194T>A (NM_001350650.2); c.-130T>A (NM_001350651.2).
Identifiers: ClinVar variation 184418 (VCV000184418.22), dbSNP rs199968813, ClinGen allele CA012305.